The following is an entry in ClinVar:

ClinVar aggregate classification (germline): Uncertain significance (1 of 4 stars; one submission).

Conditions:
Neuropathy, hereditary sensory and autonomic, type 2A (HSAN2A). Also called: ACROOSTEOLYSIS, GIACCAI TYPE; ACROOSTEOLYSIS, NEUROGENIC; MORVAN DISEASE; NEUROPATHY, CONGENITAL SENSORY; NEUROPATHY, HEREDITARY SENSORY RADICULAR, AUTOSOMAL RECESSIVE; NEUROPATHY, HEREDITARY SENSORY, TYPE IIA. Identifiers: Orphanet 970, MedGen C2752089, MONDO:0024309, OMIM 201300.
Pseudohypoaldosteronism type 2C (PHA2C). Also called: Pseudohypoaldosteronism Type IIC. Identifiers: Orphanet 757, Orphanet 88940, MedGen C1840391, MONDO:0013778, OMIM 614492.

Submission:

Labcorp Genetics (formerly Invitae), Labcorp
Classification: Uncertain significance for Neuropathy, hereditary sensory and autonomic, type 2A; Pseudohypoaldosteronism type 2C. Last evaluated: 2023-02-25. Review status: criteria provided, single submitter. Criteria: Invitae Variant Classification Sherloc (09022015). Collection method: clinical testing. Allele origin: germline.
Comment: Advanced modeling of protein sequence and biophysical properties (such as structural, functional, and spatial information, amino acid conservation, physicochemical variation, residue mobility, and thermodynamic stability) performed at Invitae indicates that this missense variant is not expected to disrupt WNK1 protein function. In summary, the available evidence is currently insufficient to determine the role of this variant in disease. Therefore, it has been classified as a Variant of Uncertain Significance. This variant has not been reported in the literature in individuals affected with WNK1-related conditions. This sequence change replaces valine, which is neutral and non-polar, with methionine, which is neutral and non-polar, at codon 2173 of the WNK1 protein (p.Val2173Met). This variant is not present in population databases (gnomAD no frequency).

NM_018979.4(WNK1):c.5761G>A (p.Val1921Met)

Gene: WNK1 (WNK lysine deficient protein kinase 1; plus strand). Cytogenetic location: 12p13.33.
Variant type: single nucleotide variant.
Coding change: c.5761G>A on transcript NM_018979.4 (MANE Select); coding-DNA position 5761, G replaced by A.
Protein change: p.Val1921Met; replaces valine 1921 with methionine.
Molecular consequence: missense variant.
Genome position (GRCh38, 1-based): chr12:896,248, G>A. VCF-style: chr12-896248-G-A. GRCh37 (hg19) VCF-style: chr12-1005414-G-A.
Other names: c.6541G>A, p.Val2181Met (NM_001184985.2); c.5017G>A, p.Val1673Met (NM_014823.3); c.6517G>A, p.Val2173Met (NM_213655.5); short protein forms V2173M, V1921M, V2181M, V1673M.
Identifiers: ClinVar variation 2939935 (VCV002939935.3), dbSNP rs2497536294, ClinGen allele CA383335089.
Genomic context (GRCh38, chr12:896,248, plus strand): 5'-GAGAGTACCTTGGTGAAACCAGAGCCGAATGGCATAACCATCCCTGGTATCTCTTCAGAT[G>A]TGCCAGAGAGTGCCCACAAAACTACTGCCTCAGAGGCAAAGTCAGACACTGGGCAGCCTA-3'
Protein context (NP_061852.3, residues 1911-1931): GITIPGISSD[Val1921Met]PESAHKTTAS